The following is an entry in ClinVar:

NM_000074.3(CD40LG):c.394A>C (p.Ser132Arg)

Gene: CD40LG (CD40 ligand; plus strand). Cytogenetic location: Xq26.3.
Variant type: single nucleotide variant.
Coding change: c.394A>C on transcript NM_000074.3 (MANE Select); coding-DNA position 394, A replaced by C.
Protein change: p.Ser132Arg; replaces serine 132 with arginine.
Molecular consequence: missense variant.
Genome position (GRCh38, 1-based): chrX:136,656,403, A>C. VCF-style: chrX-136656403-A-C. GRCh37 (hg19) VCF-style: chrX-135738562-A-C.
Other names: short protein forms S132R.
Identifiers: ClinVar variation 1346108 (VCV001346108.5), dbSNP rs770773481, ClinGen allele CA10528124.

ClinVar aggregate classification (germline): Uncertain significance (1 of 4 stars; one submission).

Conditions:
Hyper-IgM syndrome type 1. Also called: Immunodeficiency, X-linked, with hyper-IgM; Hyper-IgM Immunodeficiency Syndrome, Type 1; CD40 Ligand Deficiency; X-linked hyper-IgM syndrome. Identifiers: Orphanet 101088, MedGen C0398689, MONDO:0010626, OMIM 308230.

Allele frequency attached by ClinVar (database versions not stated): ExAC 0.00001; gnomAD 0.00001; gnomAD exomes 0.00001; TOPMed 0.00003.
gnomAD v4.1: 14 of 1,206,889 alleles (0.0012%); highest among the groups gnomAD compares: African/African-American, 0.0018%; no homozygotes.

Submission:

Labcorp Genetics (formerly Invitae), Labcorp
Classification: Uncertain significance for Hyper-IgM syndrome type 1. Last evaluated: 2021-09-24. Review status: criteria provided, single submitter. Criteria: Invitae Variant Classification Sherloc (09022015). Collection method: clinical testing. Allele origin: germline.
Comment: This sequence change replaces serine with arginine at codon 132 of the CD40LG protein (p.Ser132Arg). The serine residue is moderately conserved and there is a moderate physicochemical difference between serine and arginine. This variant is present in population databases (rs770773481, ExAC 0.01%). This variant has not been reported in the literature in individuals with CD40LG-related conditions. Advanced modeling of protein sequence and biophysical properties (such as structural, functional, and spatial information, amino acid conservation, physicochemical variation, residue mobility, and thermodynamic stability) performed at Invitae indicates that this missense variant is not expected to disrupt CD40LG protein function. In summary, the available evidence is currently insufficient to determine the role of this variant in disease. Therefore, it has been classified as a Variant of Uncertain Significance.